The following is an entry in ClinVar:

ClinVar aggregate classification (germline): Uncertain significance. Review status: criteria provided, multiple submitters, no conflicts (2 of 4 stars). 3 submissions from 3 submitters: Uncertain significance (3). Last evaluated 2026-02-02.

Conditions:
GSDME-related disorder. Also called: GSDME-related condition.

Submissions (3):

PreventionGenetics, part of Exact Sciences
Classification: Uncertain significance for GSDME-related condition. Last evaluated: 2026-02-02. Review status: criteria provided, single submitter. Criteria: ACMG Guidelines, 2015. Collection method: clinical testing. Allele origin: germline.
Comment: The GSDME c.122_124delAGA variant is predicted to result in an in-frame deletion (p.Lys41del). To our knowledge, this variant has not been reported in the literature. This variant is reported in 0.011% of alleles in individuals of East Asian descent in gnomAD. At this time, the clinical significance of this variant is uncertain due to the absence of conclusive functional and genetic evidence.

Labcorp Genetics (formerly Invitae), Labcorp
Classification: Uncertain significance. Last evaluated: 2025-03-10. Review status: criteria provided, single submitter. Criteria: Invitae Variant Classification Sherloc (09022015). Collection method: clinical testing. Allele origin: germline.
Comment: This variant, c.122_124del, results in the deletion of 1 amino acid(s) of the DFNA5 protein (p.Lys41del), but otherwise preserves the integrity of the reading frame. This variant is present in population databases (rs748682263, gnomAD 0.01%). This variant has not been reported in the literature in individuals affected with DFNA5-related conditions. ClinVar contains an entry for this variant (Variation ID: 359859). Experimental studies and prediction algorithms are not available or were not evaluated, and the functional significance of this variant is currently unknown. In summary, the available evidence is currently insufficient to determine the role of this variant in disease. Therefore, it has been classified as a Variant of Uncertain Significance.

GeneDx
Classification: Uncertain significance. Last evaluated: 2024-04-25. Review status: criteria provided, single submitter. Criteria: GeneDx Variant Classification Process June 2021. Collection method: clinical testing. Allele origin: germline. Affected: yes.
Comment: In-frame deletion of 1 amino acid in a non-repeat region; In silico analysis supports a deleterious effect on protein structure/function; Has not been previously published as pathogenic or benign to our knowledge

NM_001127453.2(GSDME):c.119AGA[1] (p.Lys41del)

Gene: GSDME (gasdermin E; minus strand). Cytogenetic location: 7p15.3.
Variant type: Microsatellite.
Coding change: c.119AGA[1] on transcript NM_001127453.2 (MANE Select); one copy of the 3-base unit AGA starting at c.119; the reference has two copies in a row; one copy, 3 bases deleted.
Protein change: p.Lys41del; deletes lysine 41.
Molecular consequence: inframe deletion. On other transcripts: intron variant (1).
Genome position (GRCh38, 1-based): chr7:24,749,651-24,749,653, TCT deleted on the plus strand (AGA on the coding strand, the reverse complement: GSDME is on the minus strand); deleting any 3 consecutive bases within chr7:24,749,651-24,749,657 gives the same sequence; the position shown is the placement nearest the transcript's 3' end. VCF-style (leftmost placement, unchanged base first): chr7-24749650-CTCT-C. GRCh37 (hg19) VCF-style: chr7-24789269-CTCT-C.
Other names: c.119AGA[1], p.Lys41del (NM_004403.3); c.-281-4899_-281-4897del (NM_001127454.2); c.122_124del (NM_004403.2); short protein forms K41del.
Identifiers: ClinVar variation 359859 (VCV000359859.8), dbSNP rs748682263, ClinGen allele CA4191839.